The following is an entry in ClinVar:

NM_000089.4(COL1A2):c.298G>A (p.Gly100Ser)

Gene: COL1A2 (collagen type I alpha 2 chain; plus strand). Cytogenetic location: 7q21.3.
Variant type: single nucleotide variant.
Coding change: c.298G>A on transcript NM_000089.4 (MANE Select); coding-DNA position 298, G replaced by A.
Protein change: p.Gly100Ser; replaces glycine 100 with serine.
Molecular consequence: missense variant.
Genome position (GRCh38, 1-based): chr7:94,404,574, G>A. VCF-style: chr7-94404574-G-A. GRCh37 (hg19) VCF-style: chr7-94033886-G-A.
Other names: short protein forms G100S.
Identifiers: ClinVar variation 526897 (VCV000526897.31), dbSNP rs1410254723, ClinGen allele CA368219459.
Genomic context (GRCh38, chr7:94,404,574, plus strand): 5'-ACTTATCAGTGCTAACTGTTGATATATCTGCTTTCTTTACAGGGCTTAATGGGACCTAGA[G>A]GCCCACCTGGTGCAGCTGGAGCCCCAGTAAGTACTGAAAGCTTGTAATGCCTCTTATGTA-3'
Protein context (NP_000080.2, residues 90-110): PGPMGLMGPR[Gly100Ser]PPGAAGAPGP

ClinVar aggregate classification (germline): Conflicting classifications of pathogenicity. Review status: criteria provided, conflicting classifications (1 of 4 stars). 7 submissions from 7 submitters: Pathogenic (1); Likely pathogenic (4); Uncertain significance (1). 1 of the submissions does not count toward it. Last evaluated 2026-08-12.

Conditions:
COL1A2-related disorder. Also called: COL1A2-related condition; COL1A2-Related Disorders.
Cardiovascular phenotype. Identifiers: MedGen CN230736.
Ehlers-Danlos syndrome (EDS). Identifiers: Orphanet 98249, MedGen C0013720, MONDO:0020066.
Osteogenesis imperfecta type I (OI1). Also called: Lobstein's Disease; Lobstein disease; Osteogenesis imperfecta type 1; Classic Non-deforming Osteogenesis Imperfecta with Blue Sclerae; OI, TYPE I; OSTEOGENESIS IMPERFECTA TARDA. Identifiers: Orphanet 216796, Orphanet 666, MedGen C0023931, MONDO:0008146, OMIM 166200. Disease mechanism: loss of function.
Ehlers-Danlos syndrome, classic type, 1 (EDSCL1). Also called: Ehlers-Danlos syndrome, type 1; Ehlers-Danlos Syndrome, Classic Type, COL5A1-Related; EDS I; EHLERS-DANLOS SYNDROME, GRAVIS TYPE; EHLERS-DANLOS SYNDROME, SEVERE CLASSIC TYPE. Identifiers: MedGen C0268335, MONDO:0019567, OMIM 130000.

Allele frequency attached by ClinVar (database versions not stated): gnomAD exomes below 0.00001; TOPMed below 0.00001; gnomAD 0.00001.
gnomAD v4.1: 2 of 1,613,520 alleles (0.00012%); highest among the groups gnomAD compares: African/African-American, 0.0013%; no homozygotes.

Submissions (7):

Greenwood Genetic Center Diagnostic Laboratories, Greenwood Genetic Center
Classification: Uncertain significance. Last evaluated: 2026-08-12. Review status: criteria provided, single submitter. Criteria: ACMG Guidelines, 2015. Collection method: clinical testing. Allele origin: germline.
Comment: PM1, PM2, PP2

GeneDx
Classification: Likely pathogenic. Last evaluated: 2026-08-03. Review status: criteria provided, single submitter. Criteria: GeneDx Variant Classification Process June 2021. Collection method: clinical testing. Allele origin: germline.
Comment: Reported heterozygous in a patient in published literature with a predominant phenotype of Ehlers Danlos syndrome with features including joint hypermobility, joint dislocations, muscle ligament tendon rupture, and easy bruising, as well as a history of fractures, but familial segregation information was not provided (PMID: 36896471); Not observed at significant frequency in large population cohorts (gnomAD); In silico analysis supports that this missense variant has a deleterious effect on protein structure/function; Occurs in the triple helical domain and replaces a glycine in a canonical Gly-X-Y repeat; missense substitution of a canonical glycine residue is expected to disrupt normal protein folding and function, and this is an established mechanism of disease (PMID: 34007986); This variant is associated with the following publications: (PMID: 36896471, 34007986)

Labcorp Genetics (formerly Invitae), Labcorp
Classification: Pathogenic for Osteogenesis imperfecta type I; Ehlers-Danlos syndrome, classic type, 1. Last evaluated: 2025-12-21. Review status: criteria provided, single submitter. Criteria: Invitae Variant Classification Sherloc (09022015). Collection method: clinical testing. Allele origin: germline.
Comment: This sequence change replaces glycine, which is neutral and non-polar, with serine, which is neutral and polar, at codon 100 of the COL1A2 protein (p.Gly100Ser). This variant is present in population databases (no rsID available, gnomAD 0.004%). This missense change has been observed in individuals with clinical features of autosomal dominant osteogenesis imperfecta and Ehlers-Danlos syndrome (internal data). ClinVar contains an entry for this variant (Variation ID: 526897). Invitae Evidence Modeling of protein sequence and biophysical properties (such as structural, functional, and spatial information, amino acid conservation, physicochemical variation, residue mobility, and thermodynamic stability) indicates that this missense variant is expected to disrupt COL1A2 protein function with a positive predictive value of 95%. This variant disrupts the triple helix domain of COL1A2. Glycine residues within the Gly-Xaa-Yaa repeats of the triple helix domain are required for the structure and stability of fibrillar collagens (PMID: 7695699, 8218237, 19344236). In COL1A2, variants affecting these glycine residues are significantly enriched in individuals with disease (PMID: 9016532, 17078022) compared to the general population (ExAC). For these reasons, this variant has been classified as Pathogenic.

Ambry Genetics
Classification: Likely pathogenic for Cardiovascular phenotype. Last evaluated: 2025-10-22. Review status: criteria provided, single submitter. Criteria: Ambry Variant Classification Scheme 2023. Collection method: clinical testing. Allele origin: germline.
Comment: The c.298G>A (p.G100S) alteration is located in exon 7 (coding exon 7) of the COL1A2 gene. This alteration results from a G to A substitution at nucleotide position 298, causing the glycine (G) at amino acid position 100 to be replaced by a serine (S). for autosomal dominant COL1A2-related osteogenesis imperfecta/overlap disorder; however, its clinical significance for autosomal dominant COL1A2-related arthrochalasia type Ehlers-Danlos syndrome and autosomal recessive COL1A2-related cardiac valvular type Ehlers-Danlos syndrome is uncertain. Based on data from gnomAD, the A allele has an overall frequency of 0.001% (2/282870) total alleles studied. This variant was reported in individual(s) with features consistent with COL1A2-related osteogenesis imperfecta/overlap disorder (Venable, 2023; External communication). Another variant at the same codon, c.299G>T (p.G100V), has been identified in individual(s) with features consistent with COL1A2-related osteogenesis imperfecta/overlap disorder (Marini, 2007). This amino acid position is highly conserved in available vertebrate species. This alteration is predicted to be deleterious by in silico analysis. Based on the available evidence, this alteration is classified as likely pathogenic.

Women's Health and Genetics/Laboratory Corporation of America, LabCorp
Classification: Likely pathogenic for Ehlers-Danlos syndrome. Last evaluated: 2025-10-17. Review status: criteria provided, single submitter. Criteria: LabCorp Variant Classification Summary - May 2015. Collection method: clinical testing. Allele origin: germline.
Comment: Variant summary: COL1A2 c.298G>A (p.Gly100Ser) results in a non-conservative amino acid change in the encoded protein sequence. Algorithms developed to predict the effect of missense changes on protein structure and function all suggest that this variant is likely to be disruptive. Glycine residues within the Gly-X-Y repeats of the triple helix domain are required for the structure and stability of fibrillar collagens (PMID: 7695699, 8218237, 19344236). In COL1A2, variants affecting these glycine residues are significantly enriched in individuals with disease (PMID: 9016532, 17078022) compared to the general population (ExAC).The variant allele was found at a frequency of 4e-06 in 251460 control chromosomes. c.298G>A has been reported in the literature in at least one individual affected with Ehlers-Danlos Syndrome (e.g., Venable_2023, internal_testing). These data suggest the variant is likely to be associated with disease. To our knowledge, no experimental evidence demonstrating an impact on protein function has been reported. The following publication was ascertained in the context of this evaluation (PMID: 36896471). ClinVar contains an entry for this variant (Variation ID: 526897). Based on the evidence outlined above, the variant was classified as likely pathogenic.

Illumina Laboratory Services, Illumina
Classification: Likely pathogenic for COL1A2-related disorders. Last evaluated: 2021-01-19. Review status: criteria provided, single submitter. Criteria: ICSLVariantClassificationCriteria RUGD 01 April 2020. Collection method: clinical testing. Allele origin: unknown.
Comment: The COL1A2 c.298G>A (p.Gly100Ser) variant is a missense variant. A literature search was conducted for the gene, cDNA change, and amino acid change. No publications were found based on this search, but there is an entry in ClinVar for this variant, in which the p.Gly100Ser variant is reported to have been observed in individuals with clinical features of osteogenesis imperfecta (ClinVar variation ID: 526897). The p.Gly100Ser variant is reported at a frequency of 0.000007 in the Total population of the Genome Aggregation Database, though this is based on two alleles in region of good sequence coverage so the variant is presumed rare. This variant affects a glycine residue within the Gly-Xaa-Yaa motifs of the highly conserved triple helix domain that play a critical role in protein structure and stability; this variant type is a known cause of disease (Robinson and Rauch 2019; Morlino et al. 2020). The Gly100Ser variant also falls within the cluster of glycine substitution variants clustering around the procollagen N-proteinase cleavage site that have been specifically linked to osteogenesis imperfecta/Ehlers-Danlos overlap syndrome (Morlino et al. 2020). Multiple in silico tools consistently predict a functional effect of this variant, but these predictions have not been assessed experimentally. Based on the collective evidence, the p.Gly100Ser variant is classified as likely pathogenic for COL1A2-related disorders.

PreventionGenetics, part of Exact Sciences
Classification: Likely pathogenic for COL1A2-related condition. Last evaluated: 2024-03-11. Review status: no assertion criteria provided. Collection method: clinical testing. Allele origin: germline. Not counted in ClinVar's aggregate classification.
Comment: The COL1A2 c.298G>A variant is predicted to result in the amino acid substitution p.Gly100Ser. This variant was reported in an individual with Osteogenesis imperfecta/Ehlers-Danlos syndrome (Case 6 in Table 1, Venable et al. 2023. PubMed ID: 36896471). In ClinVar, this variant is interpreted as likely pathogenic/pathogenic. This This variant is reported in 0.0040% of alleles in individuals of African descent in gnomAD. The p.Gly100Ser residue is located in the conserved Gly-Xaa-Yaa triple helical domain where substitutions of a glycine are usually pathogenic (Marini et al. 2007. PubMed ID: 17078022). This variant is interpreted as likely pathogenic.

Literature cited by the submitters: PubMed 7695699 (cited by Labcorp Genetics (formerly Invitae), Labcorp); PubMed 8218237 (cited by Labcorp Genetics (formerly Invitae), Labcorp); PubMed 19344236 (cited by Labcorp Genetics (formerly Invitae), Labcorp); PubMed 9016532 (cited by Labcorp Genetics (formerly Invitae), Labcorp); PubMed 17078022 (cited by Labcorp Genetics (formerly Invitae), Labcorp and Ambry Genetics); PubMed 36896471 (cited by Ambry Genetics and Women's Health and Genetics/Laboratory Corporation of America, LabCorp); PubMed 31039433 (cited by Illumina Laboratory Services, Illumina); PubMed 31794058 (cited by Illumina Laboratory Services, Illumina).